The following is an entry in ClinVar:

NM_000444.6(PHEX):c.349+1G>A

Gene: PHEX (phosphate regulating endopeptidase X-linked; plus strand). Cytogenetic location: Xp22.11.
Variant type: single nucleotide variant.
Coding change: c.349+1G>A on transcript NM_000444.6 (MANE Select); the canonical splice donor site of the intron after coding-DNA position 349, G replaced by A.
Molecular consequence: splice donor variant.
Genome position (GRCh38, 1-based): chrX:22,047,212, G>A. VCF-style: chrX-22047212-G-A. GRCh37 (hg19) VCF-style: chrX-22065330-G-A.
Other names: c.349+1G>A (NM_001282754.2).
Identifiers: ClinVar variation 803740 (VCV000803740.5), dbSNP rs193922459, ClinGen allele CA412568178.

ClinVar aggregate classification (germline): Pathogenic. Review status: criteria provided, multiple submitters, no conflicts (2 of 4 stars). 3 submissions from 3 submitters: Pathogenic (2). 1 of the submissions does not count toward it. Last evaluated 2022-11-14.

Conditions:
Childhood hypophosphatasia. Identifiers: Orphanet 247667, Orphanet 436, MedGen C0220743, MONDO:1010168, OMIM 241510, MONDO:0009428.
Familial X-linked hypophosphatemic vitamin D refractory rickets (XLHRD). Also called: X-Linked Hypophosphatemia; HYPOPHOSPHATEMIC VITAMIN D-RESISTANT RICKETS; Hypophosphatemic Rickets, X-Linked Dominant; Hypophosphatemia, vitamin D-resistant rickets; Vitamin D-resistant rickets, X-linked. Identifiers: Orphanet 89936, MedGen C0733682, MONDO:0010619, OMIM 307800.

Submissions (3):

Labcorp Genetics (formerly Invitae), Labcorp
Classification: Pathogenic. Last evaluated: 2022-11-14. Review status: criteria provided, single submitter. Criteria: Invitae Variant Classification Sherloc (09022015). Collection method: clinical testing. Allele origin: germline.
Comment: This sequence change affects a donor splice site in intron 3 of the PHEX gene. It is expected to disrupt RNA splicing. Variants that disrupt the donor or acceptor splice site typically lead to a loss of protein function (PMID: 16199547), and loss-of-function variants in PHEX are known to be pathogenic (PMID: 9097956, 9106524, 19219621). This variant is not present in population databases (gnomAD no frequency). Disruption of this splice site has been observed in individuals with hypophosphatemia (PMID: 10737991, 30682568). ClinVar contains an entry for this variant (Variation ID: 803740). Algorithms developed to predict the effect of sequence changes on RNA splicing suggest that this variant may disrupt the consensus splice site. For these reasons, this variant has been classified as Pathogenic.

Mendelics
Classification: Pathogenic for Familial X-linked hypophosphatemic vitamin D refractory rickets. Last evaluated: 2019-05-28. Review status: criteria provided, single submitter. Criteria: Mendelics Assertion Criteria 2017. Collection method: clinical testing. Allele origin: unknown.

Department of Pediatric Endocrinology, Shriners Hospitals for Children - Mexico City
No classification provided. Condition: Childhood hypophosphatasia. Review status: no classification provided. Collection method: phenotyping only. Allele origin: germline. Inheritance: X-linked dominant inheritance. Affected: yes. Observed: 1 variant allele. Not counted in ClinVar's aggregate classification.

Literature cited by the submitters: PubMed 16199547 (cited by Labcorp Genetics (formerly Invitae), Labcorp); PubMed 9097956 (cited by Labcorp Genetics (formerly Invitae), Labcorp); PubMed 9106524 (cited by Labcorp Genetics (formerly Invitae), Labcorp); PubMed 19219621 (cited by Labcorp Genetics (formerly Invitae), Labcorp); PubMed 10737991 (cited by Labcorp Genetics (formerly Invitae), Labcorp); PubMed 30682568 (cited by Labcorp Genetics (formerly Invitae), Labcorp).